The following is an entry in ClinVar:

ClinVar aggregate classification (germline): Uncertain significance (1 of 4 stars; one submission).

Allele frequency attached by ClinVar (database versions not stated): gnomAD exomes 0.00001; ExAC 0.00002.

Submission:

Labcorp Genetics (formerly Invitae), Labcorp
Classification: Uncertain significance. Last evaluated: 2022-07-12. Review status: criteria provided, single submitter. Criteria: Invitae Variant Classification Sherloc (09022015). Collection method: clinical testing. Allele origin: germline.
Comment: In summary, the available evidence is currently insufficient to determine the role of this variant in disease. Therefore, it has been classified as a Variant of Uncertain Significance. Algorithms developed to predict the effect of missense changes on protein structure and function are either unavailable or do not agree on the potential impact of this missense change (SIFT: "Deleterious"; PolyPhen-2: "Benign"; Align-GVGD: "Class C15"). This variant has not been reported in the literature in individuals affected with WNT4-related conditions. This variant is present in population databases (rs769935088, gnomAD 0.01%). This sequence change replaces aspartic acid, which is acidic and polar, with asparagine, which is neutral and polar, at codon 267 of the WNT4 protein (p.Asp267Asn).

NM_030761.5(WNT4):c.799G>A (p.Asp267Asn)

Gene: WNT4 (Wnt family member 4; minus strand). Cytogenetic location: 1p36.12.
Variant type: single nucleotide variant.
Coding change: c.799G>A on transcript NM_030761.5 (MANE Select); coding-DNA position 799, G replaced by A.
Protein change: p.Asp267Asn; replaces aspartic acid 267 with asparagine.
Molecular consequence: missense variant.
Genome position (GRCh38, 1-based): chr1:22,120,307, C>T on the plus strand (G>A on the coding strand, the complement: WNT4 is on the minus strand). VCF-style: chr1-22120307-C-T. GRCh37 (hg19) VCF-style: chr1-22446800-C-T.
Other names: short protein forms D267N.
Identifiers: ClinVar variation 2016324 (VCV002016324.4), dbSNP rs769935088, ClinGen allele CA675272.